The following is an entry in ClinVar:

NM_000094.4(COL7A1):c.8470G>T (p.Ala2824Ser)

Gene: COL7A1 (collagen type VII alpha 1 chain; minus strand). Cytogenetic location: 3p21.31.
Variant type: single nucleotide variant.
Coding change: c.8470G>T on transcript NM_000094.4 (MANE Select); coding-DNA position 8470, G replaced by T.
Protein change: p.Ala2824Ser; replaces alanine 2824 with serine.
Molecular consequence: missense variant.
Genome position (GRCh38, 1-based): chr3:48,565,467, C>A on the plus strand (G>T on the coding strand, the complement: COL7A1 is on the minus strand). VCF-style: chr3-48565467-C-A. GRCh37 (hg19) VCF-style: chr3-48602900-C-A.
Other names: short protein forms A2824S.
Identifiers: ClinVar variation 1485155 (VCV001485155.8), dbSNP rs1210237099, ClinGen allele CA352635040.

ClinVar aggregate classification (germline): Uncertain significance (1 of 4 stars; one submission).

Allele frequency attached by ClinVar (database versions not stated): TOPMed below 0.00001; gnomAD 0.00001.
gnomAD v4.1: 1 of 1,613,238 alleles (0.000062%); highest among the groups gnomAD compares: Admixed American, 0.0017%; no homozygotes.

Submission:

Labcorp Genetics (formerly Invitae), Labcorp
Classification: Uncertain significance. Last evaluated: 2021-02-13. Review status: criteria provided, single submitter. Criteria: Invitae Variant Classification Sherloc (09022015). Collection method: clinical testing. Allele origin: germline.
Comment: This variant has not been reported in the literature in individuals with COL7A1-related conditions. In summary, the available evidence is currently insufficient to determine the role of this variant in disease. Therefore, it has been classified as a Variant of Uncertain Significance. Advanced modeling of protein sequence and biophysical properties (such as structural, functional, and spatial information, amino acid conservation, physicochemical variation, residue mobility, and thermodynamic stability) performed at Invitae indicates that this missense variant is not expected to disrupt COL7A1 protein function. This variant is not present in population databases (ExAC no frequency). This sequence change replaces alanine with serine at codon 2824 of the COL7A1 protein (p.Ala2824Ser). The alanine residue is weakly conserved and there is a moderate physicochemical difference between alanine and serine.